The following is an entry in ClinVar:

NM_001289104.2(PRKCSH):c.627G>T (p.Gln209His)

Gene: PRKCSH (PRKCSH beta subunit of glucosidase II; plus strand). Cytogenetic location: 19p13.2.
Variant type: single nucleotide variant.
Coding change: c.627G>T on transcript NM_001289104.2 (MANE Select); coding-DNA position 627, G replaced by T.
Protein change: p.Gln209His; replaces glutamine 209 with histidine.
Molecular consequence: missense variant.
Genome position (GRCh38, 1-based): chr19:11,445,417, G>T. VCF-style: chr19-11445417-G-T. GRCh37 (hg19) VCF-style: chr19-11556232-G-T.
Other names: c.627G>T (NM_002743.2); c.627G>T, p.Gln209His (NM_001001329.3, NM_001289102.2, NM_001289103.2 and 3 more transcripts); short protein forms Q209H.
Identifiers: ClinVar variation 1466436 (VCV001466436.8), dbSNP rs775259637, ClinGen allele CA9212907.

ClinVar aggregate classification (germline): Uncertain significance. Review status: criteria provided, multiple submitters, no conflicts (2 of 4 stars). 3 submissions from 3 submitters: Uncertain significance (3). Last evaluated 2026-01-12.

Conditions:
Inborn genetic diseases. Identifiers: MedGen C0950123, MeSH D030342.
Polycystic liver disease 1 (PCLD1). Also called: Polycystic liver disease 1 with or without kidney cysts. Identifiers: Orphanet 2924, MedGen C0887850, MONDO:0008265, OMIM 174050.

Allele frequency attached by ClinVar (database versions not stated): TOPMed 0.00002; gnomAD 0.00004 and 0.00005; gnomAD exomes 0.00004 and 0.00007; ExAC 0.00006.
gnomAD v4.1: 69 of 1,614,088 alleles (0.0043%); highest among the groups gnomAD compares: Non-Finnish European, 0.0042%; no homozygotes.

Submissions (3):

Labcorp Genetics (formerly Invitae), Labcorp
Classification: Uncertain significance. Last evaluated: 2026-01-12. Review status: criteria provided, single submitter. Criteria: Invitae Variant Classification Sherloc (09022015). Collection method: clinical testing. Allele origin: germline.
Comment: This sequence change replaces glutamine, which is neutral and polar, with histidine, which is basic and polar, at codon 209 of the PRKCSH protein (p.Gln209His). This variant is present in population databases (rs775259637, gnomAD 0.02%). This variant has not been reported in the literature in individuals affected with PRKCSH-related conditions. ClinVar contains an entry for this variant (Variation ID: 1466436). An algorithm developed to predict the effect of missense changes on protein structure and function (PolyPhen-2) suggests that this variant is likely to be tolerated. In summary, the available evidence is currently insufficient to determine the role of this variant in disease. Therefore, it has been classified as a Variant of Uncertain Significance.

Ambry Genetics
Classification: Uncertain significance for Inborn genetic diseases. Last evaluated: 2022-12-28. Review status: criteria provided, single submitter. Criteria: Ambry Variant Classification Scheme 2023. Collection method: clinical testing. Allele origin: germline.

Fulgent Genetics
Classification: Uncertain significance for Polycystic liver disease 1. Last evaluated: 2022-02-10. Review status: criteria provided, single submitter. Criteria: ACMG Guidelines, 2015. Collection method: clinical testing. Allele origin: unknown.